The following is an entry in ClinVar:

ClinVar aggregate classification (germline): Uncertain significance. Review status: criteria provided, multiple submitters, no conflicts (2 of 4 stars). 2 submissions from 2 submitters: Uncertain significance (2). Last evaluated 2026-02-01.

Conditions:
Inborn genetic diseases. Identifiers: MedGen C0950123, MeSH D030342.

Allele frequency attached by ClinVar (database versions not stated): TOPMed 0.00007; ESP Exome Variant Server 0.00023; 1000 Genomes Project 30x 0.00047; 1000 Genomes Project 0.00060.

Submissions (2):

Labcorp Genetics (formerly Invitae), Labcorp
Classification: Uncertain significance. Last evaluated: 2026-02-01. Review status: criteria provided, single submitter. Criteria: Invitae Variant Classification Sherloc (09022015). Collection method: clinical testing. Allele origin: germline.
Comment: This sequence change replaces alanine, which is neutral and non-polar, with valine, which is neutral and non-polar, at codon 338 of the LEMD3 protein (p.Ala338Val). This variant is present in population databases (rs150526974, gnomAD 0.02%). This variant has not been reported in the literature in individuals affected with LEMD3-related conditions. ClinVar contains an entry for this variant (Variation ID: 2070408). An algorithm developed to predict the effect of missense changes on protein structure and function (PolyPhen-2) suggests that this variant is likely to be tolerated. In summary, the available evidence is currently insufficient to determine the role of this variant in disease. Therefore, it has been classified as a Variant of Uncertain Significance.

Ambry Genetics
Classification: Uncertain significance for Inborn genetic diseases. Last evaluated: 2025-08-07. Review status: criteria provided, single submitter. Criteria: Ambry Variant Classification Scheme 2023. Collection method: clinical testing. Allele origin: germline.

NM_014319.5(LEMD3):c.1013C>T (p.Ala338Val)

Gene: LEMD3 (LEM domain containing 3; plus strand). Cytogenetic location: 12q14.3.
Variant type: single nucleotide variant.
Coding change: c.1013C>T on transcript NM_014319.5 (MANE Select); coding-DNA position 1013, C replaced by T.
Protein change: p.Ala338Val; replaces alanine 338 with valine.
Molecular consequence: missense variant.
Genome position (GRCh38, 1-based): chr12:65,170,609, C>T. VCF-style: chr12-65170609-C-T. GRCh37 (hg19) VCF-style: chr12-65564389-C-T.
Other names: c.1013C>T (NM_014319.4); c.1013C>T, p.Ala338Val (NM_001167614.2); short protein forms A338V.
Identifiers: ClinVar variation 2070408 (VCV002070408.5), dbSNP rs150526974, ClinGen allele CA6670827.